The following is an entry in ClinVar:

ClinVar aggregate classification (germline): Uncertain significance. Review status: criteria provided, multiple submitters, no conflicts (2 of 4 stars). 2 submissions from 2 submitters: Uncertain significance (2). Last evaluated 2023-01-27.

Conditions:
Cardiovascular phenotype. Identifiers: MedGen CN230736.
Hereditary cancer-predisposing syndrome. Also called: Hereditary neoplastic syndrome; Tumor predisposition; Neoplastic Syndromes, Hereditary; Hereditary Cancer Syndrome. Identifiers: Orphanet 140162, MedGen C0027672, MeSH D009386, MONDO:0015356.
Neurofibromatosis, type 1 (NF1). Also called: Peripheral type neurofibromatosis; Neurofibromatosis, type I; VON RECKLINGHAUSEN DISEASE; NEUROFIBROMATOSIS, TYPE I, SOMATIC. Identifiers: Orphanet 636, MedGen C0027831, MONDO:0018975, OMIM 162200. Disease mechanism: loss of function.

Submissions (2):

Ambry Genetics
Classification: Uncertain significance for Cardiovascular phenotype; Hereditary cancer-predisposing syndrome. Last evaluated: 2023-01-27. Review status: criteria provided, single submitter. Criteria: Ambry Variant Classification Scheme 2023. Collection method: clinical testing. Allele origin: germline.
Comment: The p.N1835D variant (also known as c.5503A>G), located in coding exon 37 of the NF1 gene, results from an A to G substitution at nucleotide position 5503. The asparagine at codon 1835 is replaced by aspartic acid, an amino acid with highly similar properties. This amino acid position is conserved. In addition, the in silico prediction for this alteration is inconclusive. Since supporting evidence is limited at this time, the clinical significance of this alteration remains unclear.

Labcorp Genetics (formerly Invitae), Labcorp
Classification: Uncertain significance for Neurofibromatosis, type 1. Last evaluated: 2022-12-31. Review status: criteria provided, single submitter. Criteria: Invitae Variant Classification Sherloc (09022015). Collection method: clinical testing. Allele origin: germline.
Comment: In summary, the available evidence is currently insufficient to determine the role of this variant in disease. Therefore, it has been classified as a Variant of Uncertain Significance. Advanced modeling of protein sequence and biophysical properties (such as structural, functional, and spatial information, amino acid conservation, physicochemical variation, residue mobility, and thermodynamic stability) performed at Invitae indicates that this missense variant is expected to disrupt NF1 protein function. This variant has not been reported in the literature in individuals affected with NF1-related conditions. This variant is not present in population databases (gnomAD no frequency). This sequence change replaces asparagine, which is neutral and polar, with aspartic acid, which is acidic and polar, at codon 1835 of the NF1 protein (p.Asn1835Asp).

NM_001042492.3(NF1):c.5566A>G (p.Asn1856Asp)

Gene: NF1 (neurofibromin 1; plus strand). Cytogenetic location: 17q11.2.
Variant type: single nucleotide variant.
Coding change: c.5566A>G on transcript NM_001042492.3 (MANE Select); coding-DNA position 5566, A replaced by G.
Protein change: p.Asn1856Asp; replaces asparagine 1856 with aspartic acid.
Molecular consequence: missense variant.
Genome position (GRCh38, 1-based): chr17:31,327,796, A>G. VCF-style: chr17-31327796-A-G. GRCh37 (hg19) VCF-style: chr17-29654814-A-G.
Other names: c.5503A>G, p.Asn1835Asp (NM_000267.4); short protein forms N1835D, N1856D.
Identifiers: ClinVar variation 2452294 (VCV002452294.5), dbSNP rs2151541805, ClinGen allele CA399009943.
Genomic context (GRCh38, chr17:31,327,796, plus strand): 5'-CCCGACTCTATCCCCCAACACACCAAGATTCGGCCAAAAGATGTCCCTGGGACACTGCTC[A>G]ATATCGCATTACTTAATTTAGGCAGTTCTGACCCGAGTTTACGGTAGGTTTTTTAAAATT-3'
Protein context (NP_001035957.1, residues 1846-1866): RPKDVPGTLL[Asn1856Asp]IALLNLGSSD